The following is an entry in ClinVar:

ClinVar aggregate classification (germline): Uncertain significance. Review status: criteria provided, multiple submitters, no conflicts (2 of 4 stars). 3 submissions from 3 submitters: Uncertain significance (3). Last evaluated 2026-08-06.

Conditions:
Inborn genetic diseases. Identifiers: MedGen C0950123, MeSH D030342.
Seckel syndrome 9 (SCKL9). Identifiers: Orphanet 808, MedGen C4225212, MONDO:0014767, OMIM 616777.

Allele frequency attached by ClinVar (database versions not stated): ExAC 0.00004; ESP Exome Variant Server 0.00015; gnomAD 0.00005.
gnomAD v4.1: 60 of 1,614,134 alleles (0.0037%); highest among the groups gnomAD compares: Admixed American, 0.027%; no homozygotes.

Submissions (3):

OLLIN Analises Genomicas, OLLIN
Classification: Uncertain significance for Seckel syndrome 9. Last evaluated: 2026-08-06. Review status: criteria provided, single submitter. Criteria: ACMG Guidelines 2015 PMID 25741868. Collection method: clinical testing. Allele origin: germline. Inheritance: Autosomal recessive inheritance.
Comment: This missense variant, located in exon 15 (of 15), has been reported in ClinVar (accession VCV002077227.2) and in gnomAD with an allele frequency of 0.0037%. However, to our knowledge, it has not been reported in the scientific literature. In silico analysis predicts that this variant has a tolerated effect. According to the currently available evidence, this variant has been classified as uncertain significance (PM2_P, BP4_M).

Ambry Genetics
Classification: Uncertain significance for Inborn genetic diseases. Last evaluated: 2025-01-19. Review status: criteria provided, single submitter. Criteria: Ambry Variant Classification Scheme 2023. Collection method: clinical testing. Allele origin: germline.

Labcorp Genetics (formerly Invitae), Labcorp
Classification: Uncertain significance. Last evaluated: 2022-05-25. Review status: criteria provided, single submitter. Criteria: Invitae Variant Classification Sherloc (09022015). Collection method: clinical testing. Allele origin: germline.
Comment: This sequence change replaces proline, which is neutral and non-polar, with arginine, which is basic and polar, at codon 439 of the TRAIP protein (p.Pro439Arg). This variant is present in population databases (rs149640331, gnomAD 0.02%). This variant has not been reported in the literature in individuals affected with TRAIP-related conditions. Algorithms developed to predict the effect of missense changes on protein structure and function (SIFT, PolyPhen-2, Align-GVGD) all suggest that this variant is likely to be tolerated. In summary, the available evidence is currently insufficient to determine the role of this variant in disease. Therefore, it has been classified as a Variant of Uncertain Significance.

NM_005879.3(TRAIP):c.1316C>G (p.Pro439Arg)

Gene: TRAIP (TRAF interacting protein; minus strand). Cytogenetic location: 3p21.31.
Variant type: single nucleotide variant.
Coding change: c.1316C>G on transcript NM_005879.3 (MANE Select); coding-DNA position 1316, C replaced by G.
Protein change: p.Pro439Arg; replaces proline 439 with arginine.
Molecular consequence: missense variant.
Genome position (GRCh38, 1-based): chr3:49,829,197, G>C on the plus strand (C>G on the coding strand, the complement: TRAIP is on the minus strand). VCF-style: chr3-49829197-G-C. GRCh37 (hg19) VCF-style: chr3-49866630-G-C.
Other names: c.1316C>G (NM_005879.2); short protein forms P439R.
Identifiers: ClinVar variation 2077227 (VCV002077227.3), dbSNP rs149640331, ClinGen allele CA2407511.